The following is an entry in ClinVar:

ClinVar aggregate classification (germline): Uncertain significance (1 of 4 stars; one submission).

Conditions:
Hereditary cancer-predisposing syndrome. Also called: Neoplastic Syndromes, Hereditary; Tumor predisposition; Hereditary neoplastic syndrome; Hereditary Cancer Syndrome. Identifiers: Orphanet 140162, MedGen C0027672, MeSH D009386, MONDO:0015356.

Submission:

Ambry Genetics
Classification: Uncertain significance for Hereditary cancer-predisposing syndrome. Last evaluated: 2018-06-08. Review status: criteria provided, single submitter. Criteria: Ambry Variant Classification Scheme 2023. Collection method: clinical testing. Allele origin: germline.
Comment: The p.C276S variant (also known as c.826T>A), located in coding exon 8 of the PMS2 gene, results from a T to A substitution at nucleotide position 826. The cysteine at codon 276 is replaced by serine, an amino acid with dissimilar properties. This amino acid position is not well conserved in available vertebrate species. In addition, the in silico prediction for this alteration is inconclusive. Since supporting evidence is limited at this time, the clinical significance of this alteration remains unclear.

NM_000535.7(PMS2):c.826T>A (p.Cys276Ser)

Gene: PMS2 (PMS1 homolog 2, mismatch repair system component; minus strand). Cytogenetic location: 7p22.1.
Variant type: single nucleotide variant.
Coding change: c.826T>A on transcript NM_000535.7 (MANE Select); coding-DNA position 826, T replaced by A.
Protein change: p.Cys276Ser; replaces cysteine 276 with serine.
Molecular consequence: missense variant. On other transcripts: 5 prime UTR variant (2), non-coding transcript variant (1).
Genome position (GRCh38, 1-based): chr7:5,995,611, A>T on the plus strand (T>A on the coding strand, the complement: PMS2 is on the minus strand). VCF-style: chr7-5995611-A-T. GRCh37 (hg19) VCF-style: chr7-6035242-A-T.
Other names: c.421T>A, p.Cys141Ser (NM_001322003.2, NM_001322004.2, NM_001322005.2 and 2 more transcripts); c.826T>A, p.Cys276Ser (NM_001322006.2, NM_001322014.2); c.508T>A, p.Cys170Ser (NM_001322007.2, NM_001322008.2); c.-108T>A (NM_001322011.2, NM_001322012.2); c.253T>A, p.Cys85Ser (NM_001322013.2); c.517T>A, p.Cys173Ser (NM_001322015.2); short protein forms C173S, C276S, C141S, C170S, C85S.
Identifiers: ClinVar variation 827548 (VCV000827548.4), dbSNP rs1407229027, ClinGen allele CA366743541.